The following is an entry in ClinVar:

ClinVar aggregate classification (germline): Uncertain significance. Review status: criteria provided, multiple submitters, no conflicts (2 of 4 stars). 8 submissions from 7 submitters: Uncertain significance (8). Last evaluated 2024-09-22.

Conditions:
Sialic acid storage disease, severe infantile type (ISSD). Also called: N-ACETYLNEURAMINIC ACID STORAGE DISEASE; NANA STORAGE DISEASE; Infantile Sialic Acid Storage Disease; INFANTILE SIALIC ACID STORAGE DISORDER; Free sialic acid storage disease, infantile form; SIALURIA, INFANTILE FORM. Identifiers: Orphanet 309324, Orphanet 834, MedGen C1096902, MONDO:0010027, OMIM 269920.
Salla disease (SD). Also called: Sialuria, Finnish type; N-acetylneuraminic acid (NANA) storage disease (NSD); Infantile sialic acid storage disorder (ISSD); Less Severe FSASD (Salla Disease). Identifiers: Orphanet 309334, Orphanet 834, MedGen C1096903, MONDO:0011449, OMIM 604369.
Inborn genetic diseases. Identifiers: MedGen C0950123, MeSH D030342.

Allele frequency attached by ClinVar (database versions not stated): TOPMed 0.00009; gnomAD exomes 0.00023 and 0.00028; gnomAD 0.00029 and 0.00032; ExAC 0.00035.
gnomAD v4.1: 383 of 1,614,006 alleles (0.024%); highest among the groups gnomAD compares: Non-Finnish European, 0.029%; no homozygotes.

Submissions (8):

Blueprint Genetics
Classification: Uncertain significance. Last evaluated: 2024-09-22. Review status: criteria provided, single submitter. Criteria: ACMG Guidelines, 2015. Collection method: clinical testing. Allele origin: germline.

Fulgent Genetics
Classification: Uncertain significance for Sialic acid storage disease, severe infantile type; Salla disease. Last evaluated: 2024-05-21. Review status: criteria provided, single submitter. Criteria: ACMG Guidelines, 2015. Collection method: clinical testing. Allele origin: germline.

Labcorp Genetics (formerly Invitae), Labcorp
Classification: Uncertain significance for Salla disease. Last evaluated: 2022-08-22. Review status: criteria provided, single submitter. Criteria: Invitae Variant Classification Sherloc (09022015). Collection method: clinical testing. Allele origin: germline.
Comment: This sequence change replaces phenylalanine, which is neutral and non-polar, with serine, which is neutral and polar, at codon 432 of the SLC17A5 protein (p.Phe432Ser). This variant is present in population databases (rs200632199, gnomAD 0.07%). This variant has not been reported in the literature in individuals affected with SLC17A5-related conditions. ClinVar contains an entry for this variant (Variation ID: 809967). Algorithms developed to predict the effect of missense changes on protein structure and function (SIFT, PolyPhen-2, Align-GVGD) all suggest that this variant is likely to be disruptive. In summary, the available evidence is currently insufficient to determine the role of this variant in disease. Therefore, it has been classified as a Variant of Uncertain Significance.

Ambry Genetics
Classification: Uncertain significance for Inborn genetic diseases. Last evaluated: 2022-07-19. Review status: criteria provided, single submitter. Criteria: Ambry Variant Classification Scheme 2023. Collection method: clinical testing. Allele origin: germline.

Genome-Nilou Lab
Classification: Uncertain significance for Salla disease. Last evaluated: 2021-09-05. Review status: criteria provided, single submitter. Criteria: ACMG Guidelines, 2015. Collection method: clinical testing. Allele origin: germline. Affected: no.

CeGaT Center for Human Genetics Tuebingen
Classification: Uncertain significance. Last evaluated: 2018-03-01. Review status: criteria provided, single submitter. Criteria: CeGaT Center For Human Genetics Tuebingen Variant Classification Criteria Version 2. Collection method: clinical testing. Allele origin: germline. Affected: yes. Observed: 1 variant allele.

Illumina Laboratory Services, Illumina
Classification: Uncertain significance for Salla disease. Last evaluated: 2018-01-13. Review status: criteria provided, single submitter. Criteria: ICSL Variant Classification Criteria 13 December 2019. Collection method: clinical testing. Allele origin: germline.

Illumina Laboratory Services, Illumina
Classification: Uncertain significance for Sialic acid storage disease, severe infantile type. Last evaluated: 2018-01-13. Review status: criteria provided, single submitter. Criteria: ICSL Variant Classification Criteria 13 December 2019. Collection method: clinical testing. Allele origin: germline.

NM_012434.5(SLC17A5):c.1295T>C (p.Phe432Ser)

Gene: SLC17A5 (solute carrier family 17 member 5; minus strand). Cytogenetic location: 6q13.
Variant type: single nucleotide variant.
Coding change: c.1295T>C on transcript NM_012434.5 (MANE Select); coding-DNA position 1295, T replaced by C.
Protein change: p.Phe432Ser; replaces phenylalanine 432 with serine.
Molecular consequence: missense variant.
Genome position (GRCh38, 1-based): chr6:73,600,406, A>G on the plus strand (T>C on the coding strand, the complement: SLC17A5 is on the minus strand). VCF-style: chr6-73600406-A-G. GRCh37 (hg19) VCF-style: chr6-74310129-A-G.
Other names: short protein forms F432S.
Identifiers: ClinVar variation 809967 (VCV000809967.53), dbSNP rs200632199, ClinGen allele CA3890296.
Genomic context (GRCh38, chr6:73,600,406, plus strand): 5'-CTTACATCAGGGGTCAGACTTTTAGCAATGACGGGCCCAACCATTCCTGGAATAGTGGCA[A>G]ATGTATTTGTGATGCCCAGGAGGATACCAGCATACCTGTAGAAACATTTTCATAGACGTT-3'
Protein context (NP_036566.1, residues 422-442): AGILLGITNT[Phe432Ser]ATIPGMVGPV